The following is an entry in ClinVar:

ClinVar aggregate classification (germline): Uncertain significance (1 of 4 stars; one submission).

gnomAD v4.1: 3 of 1,613,736 alleles (0.00019%); highest among the groups gnomAD compares: Admixed American, 0.005%; no homozygotes.

Submission:

Labcorp Genetics (formerly Invitae), Labcorp
Classification: Uncertain significance. Last evaluated: 2025-02-11. Review status: criteria provided, single submitter. Criteria: Invitae Variant Classification Sherloc (09022015). Collection method: clinical testing. Allele origin: germline.
Comment: This sequence change falls in intron 10 of the COL2A1 gene. It does not directly change the encoded amino acid sequence of the COL2A1 protein. It affects a nucleotide within the consensus splice site. This variant is present in population databases (rs762143601, gnomAD 0.006%). This variant has not been reported in the literature in individuals affected with COL2A1-related conditions. Variants that disrupt the consensus splice site are a relatively common cause of aberrant splicing (PMID: 17576681, 9536098). Algorithms developed to predict the effect of sequence changes on RNA splicing suggest that this variant is not likely to affect RNA splicing. In summary, the available evidence is currently insufficient to determine the role of this variant in disease. Therefore, it has been classified as a Variant of Uncertain Significance.

Literature cited by the submitters: PubMed 17576681; PubMed 9536098.

NM_001844.5(COL2A1):c.708+3G>A

Gene: COL2A1 (collagen type II alpha 1 chain; minus strand). Cytogenetic location: 12q13.11.
Variant type: single nucleotide variant.
Coding change: c.708+3G>A on transcript NM_001844.5 (MANE Select); 3 bases into the intron after coding-DNA position 708, G replaced by A.
Molecular consequence: intron variant.
Genome position (GRCh38, 1-based): chr12:47,995,707, C>T on the plus strand (G>A on the coding strand, the complement: COL2A1 is on the minus strand). VCF-style: chr12-47995707-C-T. GRCh37 (hg19) VCF-style: chr12-48389490-C-T.
Other names: c.501+3G>A (NM_033150.3).
Identifiers: ClinVar variation 4776003 (VCV004776003.1).